The following is an entry in ClinVar:

NC_000012.11:g.(?_862712)_(987547_?)dup

Genes: WNK1 (WNK lysine deficient protein kinase 1; plus strand), LOC130007151 (ATAC-STARR-seq lymphoblastoid active region 5791; plus strand). Cytogenetic location: 12p13.33.
Variant type: Duplication.
Identifiers: ClinVar variation 583593 (VCV000583593.7).

ClinVar aggregate classification (germline): Uncertain significance (1 of 4 stars; one submission).

Conditions:
Neuropathy, hereditary sensory and autonomic, type 2A (HSAN2A). Also called: HSAN IIA; ACROOSTEOLYSIS, GIACCAI TYPE; ACROOSTEOLYSIS, NEUROGENIC; WNK1-Related HSAN2 (HSAN2A); MORVAN DISEASE; NEUROPATHY, CONGENITAL SENSORY. Identifiers: Orphanet 970, MedGen C2752089, MONDO:0024309, OMIM 201300.
Pseudohypoaldosteronism type 2C (PHA2C). Also called: Pseudohypoaldosteronism Type IIC. Identifiers: Orphanet 757, Orphanet 88940, MedGen C1840391, MONDO:0013778, OMIM 614492.

Submission:

Labcorp Genetics (formerly Invitae), Labcorp
Classification: Uncertain significance for Neuropathy, hereditary sensory and autonomic, type 2A; Pseudohypoaldosteronism type 2C. Last evaluated: 2018-04-04. Review status: criteria provided, single submitter. Criteria: Invitae Variant Classification Sherloc (09022015). Collection method: clinical testing. Allele origin: germline.
Comment: This variant results in a copy number gain of the genomic region encompassing exons 1-10 of the WNK1 gene. The 5' end of this event is unknown as it extends beyond the assayed region for this gene and therefore may encompass additional genes. The 3' boundary is likely confined to intron 10 of the WNK1 gene. As the precise location of this event is unknown, it may be in tandem or it may be located elsewhere in the genome. This variant has not been reported in the literature in individuals with WNK1-related disease. In summary, the available evidence is currently insufficient to determine the role of this variant in disease. Therefore, it has been classified as a Variant of Uncertain Significance.